The following is an entry in ClinVar:

NM_000551.4(VHL):c.329A>G (p.His110Arg)

Gene: VHL (von Hippel-Lindau tumor suppressor; plus strand). Cytogenetic location: 3p25.3.
Variant type: single nucleotide variant.
Coding change: c.329A>G on transcript NM_000551.4 (MANE Select); coding-DNA position 329, A replaced by G.
Protein change: p.His110Arg; replaces histidine 110 with arginine.
Molecular consequence: missense variant.
Genome position (GRCh38, 1-based): chr3:10,142,176, A>G. VCF-style: chr3-10142176-A-G. GRCh37 (hg19) VCF-style: chr3-10183860-A-G.
Other names: c.329A>G, p.His110Arg (NM_001354723.2, NM_198156.3); short protein forms H110R.
Identifiers: ClinVar variation 1054464 (VCV001054464.9), dbSNP rs2125125380, ClinGen allele CA351751314.

ClinVar aggregate classification (germline): Uncertain significance (1 of 4 stars; one submission).

Conditions:
Chuvash polycythemia. Also called: POLYCYTHEMIA, VHL-DEPENDENT. Identifiers: Orphanet 238557, MedGen C1837915, MONDO:0009892, OMIM 263400.
Von Hippel-Lindau syndrome (VHLS). Also called: Von Hippel-Lindau; von Hippel–Lindau syndrome; VHL syndrome. Identifiers: Orphanet 892, MedGen C0019562, MONDO:0008667, OMIM 193300. Disease mechanism: loss of function.

Allele frequency attached by ClinVar (database versions not stated): gnomAD exomes below 0.00001.
gnomAD v4.1: 3 of 1,598,332 alleles (0.00019%); highest among the groups gnomAD compares: East Asian, 0.0045%; no homozygotes.

Submission:

Labcorp Genetics (formerly Invitae), Labcorp
Classification: Uncertain significance for Von Hippel-Lindau syndrome; Chuvash polycythemia. Last evaluated: 2025-05-09. Review status: criteria provided, single submitter. Criteria: Invitae Variant Classification Sherloc (09022015). Collection method: clinical testing. Allele origin: germline.
Comment: This sequence change replaces histidine, which is basic and polar, with arginine, which is basic and polar, at codon 110 of the VHL protein (p.His110Arg). This variant is not present in population databases (gnomAD no frequency). This variant has not been reported in the literature in individuals affected with VHL-related conditions. ClinVar contains an entry for this variant (Variation ID: 1054464). Invitae Evidence Modeling of protein sequence and biophysical properties (such as structural, functional, and spatial information, amino acid conservation, physicochemical variation, residue mobility, and thermodynamic stability) indicates that this missense variant is expected to disrupt VHL protein function with a positive predictive value of 95%. In summary, the available evidence is currently insufficient to determine the role of this variant in disease. Therefore, it has been classified as a Variant of Uncertain Significance.